The following is an entry in ClinVar:

ClinVar aggregate classification (germline): Uncertain significance (1 of 4 stars; one submission).

Conditions:
Dilated cardiomyopathy 1D. Identifiers: Orphanet 154, Orphanet 54260, MedGen C1832243, MONDO:0011095, OMIM 601494.
Hypertrophic cardiomyopathy 2. Also called: TNNT2-Related Familial Hypertrophic Cardiomyopathy. Identifiers: MedGen C1861864, MONDO:0007266, OMIM 115195.
Cardiomyopathy, familial restrictive, 3. Identifiers: Orphanet 75249, MedGen C2676271, MONDO:0012900, OMIM 612422.

Allele frequency attached by ClinVar (database versions not stated): gnomAD exomes below 0.00001.
gnomAD v4.1: 1 of 1,613,874 alleles (0.000062%); highest among the groups gnomAD compares: Non-Finnish European, 0.000085%; no homozygotes.

Submission:

Labcorp Genetics (formerly Invitae), Labcorp
Classification: Uncertain significance for Cardiomyopathy, familial restrictive, 3; Hypertrophic cardiomyopathy 2; Dilated cardiomyopathy 1D. Last evaluated: 2023-05-17. Review status: criteria provided, single submitter. Criteria: Invitae Variant Classification Sherloc (09022015). Collection method: clinical testing. Allele origin: germline.
Comment: Algorithms developed to predict the effect of sequence changes on RNA splicing suggest that this variant may disrupt the consensus splice site. In summary, the available evidence is currently insufficient to determine the role of this variant in disease. Therefore, it has been classified as a Variant of Uncertain Significance. This variant has not been reported in the literature in individuals affected with TNNT2-related conditions. This variant is not present in population databases (gnomAD no frequency). This sequence change affects a donor splice site in intron 12 of the TNNT2 gene. It is expected to disrupt RNA splicing. Variants that disrupt the donor or acceptor splice site typically lead to a loss of protein function (PMID: 16199547), however the current clinical and genetic evidence is not sufficient to establish whether loss-of-function variants in TNNT2 cause disease.

Literature cited by the submitters: PubMed 16199547.

NM_001276345.2(TNNT2):c.609+1G>A

Gene: TNNT2 (troponin T2, cardiac type; minus strand). Cytogenetic location: 1q32.1.
Variant type: single nucleotide variant.
Coding change: c.609+1G>A on transcript NM_001276345.2 (MANE Select); the canonical splice donor site of the intron after coding-DNA position 609, G replaced by A.
Molecular consequence: splice donor variant. On other transcripts: intron variant (6).
Genome position (GRCh38, 1-based): chr1:201,362,385, C>T on the plus strand (G>A on the coding strand, the complement: TNNT2 is on the minus strand). VCF-style: chr1-201362385-C-T. GRCh37 (hg19) VCF-style: chr1-201331513-C-T.
Other names: c.579+1G>A (NM_001001430.3, NM_001406724.1, NM_001276347.2); c.481-363G>A (NM_001276346.2); c.601-363G>A (NM_000364.4, NM_001406723.1); c.561+1G>A (NM_001001432.3); c.564+1G>A (NM_001406728.1); c.576+1G>A (NM_001406725.1); c.571-363G>A (NM_001001431.3, NM_001406726.1, NM_001406727.1).
Identifiers: ClinVar variation 2939274 (VCV002939274.3), dbSNP rs2526953679, ClinGen allele CA344204150.
Genomic context (GRCh38, chr1:201,362,385, plus strand): 5'-CCTCCCAGGGAGCTCTCCAAAACTATGGGGAGGAAGAAGGCTTGAGGTTTTTGGTACCCA[C>T]CTGGGCCTGCTAAACCGGGAAACCATGAGAGAGAGGCCCATAGAAAAAGACCAAGACGGC-3'